The following is an entry in ClinVar:

ClinVar aggregate classification (germline): Likely pathogenic (1 of 4 stars; one submission).

Conditions:
Encephalopathy, progressive, with amyotrophy and optic atrophy (PEAMO). Identifiers: MedGen C4310667, MONDO:0014968, OMIM 617207.
Autosomal recessive Kenny-Caffey syndrome (KCS1). Identifiers: Orphanet 2333, Orphanet 93324, MedGen C1855648, MONDO:0009486, OMIM 244460.
Hypoparathyroidism-retardation-dysmorphism syndrome (HRDS). Also called: SANJAD-SAKATI SYNDROME. Identifiers: Orphanet 2323, MedGen C1855840, MONDO:0009426, OMIM 241410.

Submission:

Juno Genomics, Hangzhou Juno Genomics, Inc
Classification: Likely pathogenic for Encephalopathy, progressive, with amyotrophy and optic atrophy; Hypoparathyroidism-retardation-dysmorphism syndrome; Autosomal recessive Kenny-Caffey syndrome. Review status: criteria provided, single submitter. Criteria: ACMG Guidelines, 2015. Collection method: clinical testing. Allele origin: germline.
Comment: Null variant in a gene where loss of function (LOF) is a known mechanism of disease.;Absent from controls (or at extremely low frequency if recessive) in Genome Aggregation Database.

NM_003193.5(TBCE):c.1030del (p.Pro343_Leu344insTer)

Gene: TBCE (tubulin folding cofactor E; plus strand). Cytogenetic location: 1q42.3.
Variant type: Deletion.
Coding change: c.1030del on transcript NM_003193.5 (MANE Select); coding-DNA position 1030, one base deleted (C; older notation c.1030delC).
Protein change: p.Pro343_Leu344insTer.
Molecular consequence: nonsense.
Genome position (GRCh38, 1-based): chr1:235,437,388, C deleted; the last of 5 consecutive C bases (chr1:235,437,384-235,437,388); deleting any one gives the same sequence. VCF-style (leftmost placement, unchanged base first): chr1-235437383-AC-A. GRCh37 (hg19) VCF-style: chr1-235600698-AC-A.
Other names: c.1030del, p.Pro343_Leu344insTer (NM_001079515.3); c.1183del, p.Pro394_Leu395insTer (NM_001287801.2); c.691del, p.Pro230_Leu231insTer (NM_001287802.2).
Identifiers: ClinVar variation 5006279 (VCV005006279.2).